The following is an entry in ClinVar:

ClinVar aggregate classification (germline): Benign. Review status: criteria provided, multiple submitters, no conflicts (2 of 4 stars). 6 submissions from 6 submitters: Benign (6). Last evaluated 2026-02-04.

Conditions:
Fraser syndrome 1 (FRASRS1). Also called: CRYPTOPHTHALMOS WITH OTHER MALFORMATIONS. Identifiers: Orphanet 2052, MedGen C4551480, MONDO:0054737, OMIM 219000.

Allele frequency attached by ClinVar (database versions not stated): ESP Exome Variant Server 0.14055; 1000 Genomes Project 30x 0.17239; 1000 Genomes Project 0.17252; gnomAD exomes 0.17545 and 0.17735; ExAC 0.17896; TOPMed 0.17913; gnomAD 0.18109 and 0.18150.
gnomAD v4.1: 284,283 of 1,611,622 alleles (18%); highest among the groups gnomAD compares: Middle Eastern, 22%; 25,504 homozygotes.

Submissions (6):

Labcorp Genetics (formerly Invitae), Labcorp
Classification: Benign. Last evaluated: 2026-02-04. Review status: criteria provided, single submitter. Criteria: Invitae Variant Classification Sherloc (09022015). Collection method: clinical testing. Allele origin: germline.

Blueprint Genetics
Classification: Benign. Last evaluated: 2024-11-26. Review status: criteria provided, single submitter. Criteria: ACMG Guidelines, 2015. Collection method: clinical testing. Allele origin: germline.

Mayo Clinic Laboratories, Mayo Clinic
Classification: Benign. Last evaluated: 2022-03-09. Review status: criteria provided, single submitter. Criteria: ACMG Guidelines, 2015. Collection method: clinical testing. Allele origin: germline. Observed: 30 variant alleles.

Illumina Laboratory Services, Illumina
Classification: Benign for Fraser syndrome 1. Last evaluated: 2018-01-12. Review status: criteria provided, single submitter. Criteria: ICSL Variant Classification Criteria 13 December 2019. Collection method: clinical testing. Allele origin: germline.
Comment: This variant was observed in the ICSL laboratory as part of a predisposition screen in an ostensibly healthy population. It had not been previously curated by ICSL or reported in the Human Gene Mutation Database (HGMD: prior to June 1st, 2018), and was therefore a candidate for classification through an automated scoring system. Utilizing variant allele frequency, disease prevalence and penetrance estimates, and inheritance mode, an automated score was calculated to assess if this variant is too frequent to cause the disease. Based on the score and internal cut-off values, a variant classified as benign is not then subjected to further curation. The score for this variant resulted in a classification of benign for this disease.

Breakthrough Genomics
Classification: Benign. Review status: criteria provided, single submitter. Criteria: ACMG Guidelines, 2015. Collection method: not provided. Allele origin: germline. Inheritance: Autosomal recessive inheritance. Affected: yes.

PreventionGenetics, part of Exact Sciences
Classification: Benign. Review status: criteria provided, single submitter. Criteria: ACMG Guidelines, 2015. Collection method: clinical testing. Allele origin: germline.

NM_025074.7(FRAS1):c.9116-6C>T

Gene: FRAS1 (Fraser extracellular matrix complex subunit 1; plus strand). Cytogenetic location: 4q21.21.
Variant type: single nucleotide variant.
Coding change: c.9116-6C>T on transcript NM_025074.7 (MANE Select); 6 bases into the intron before coding-DNA position 9116, C replaced by T.
Molecular consequence: intron variant.
Genome position (GRCh38, 1-based): chr4:78,499,715, C>T. VCF-style: chr4-78499715-C-T. GRCh37 (hg19) VCF-style: chr4-79420869-C-T.
Other names: p.?.
Identifiers: ClinVar variation 261819 (VCV000261819.12), dbSNP rs76630865, ClinGen allele CA2978587.